The following is an entry in ClinVar:

ClinVar aggregate classification (germline): Pathogenic (1 of 4 stars; one submission).

Submission:

Labcorp Genetics (formerly Invitae), Labcorp
Classification: Pathogenic. Last evaluated: 2025-12-22. Review status: criteria provided, single submitter. Criteria: Invitae Variant Classification Sherloc (09022015). Collection method: clinical testing. Allele origin: germline.
Comment: This sequence change creates a premature translational stop signal (p.Glu499Serfs*19) in the KDM5A gene. It is expected to result in an absent or disrupted protein product. Loss-of-function variants in KDM5A are known to be pathogenic (PMID: 33350388). This variant is not present in population databases (gnomAD no frequency). This variant has not been reported in the literature in individuals affected with KDM5A-related conditions. For these reasons, this variant has been classified as Pathogenic.

Literature cited by the submitters: PubMed 33350388.

NC_000012.12:g.333650del

Gene: KDM5A (lysine demethylase 5A; minus strand). Cytogenetic location: 12p13.33.
Variant type: Deletion.
Genome position: GRCh38 VCF-style: chr12-333644-TC-T. GRCh37 (hg19) VCF-style: chr12-442810-TC-T.
Identifiers: ClinVar variation 4733816 (VCV004733816.1).